The following is an entry in ClinVar:

ClinVar aggregate classification (germline): Conflicting classifications of pathogenicity. Review status: criteria provided, conflicting classifications (1 of 4 stars). 2 submissions from 2 submitters: Uncertain significance (1); Likely benign (1). Last evaluated 2026-06-16.

Conditions:
Hereditary diffuse gastric adenocarcinoma (HDGC). Also called: DIFFUSE GASTRIC AND LOBULAR BREAST CANCER SYNDROME. Identifiers: Orphanet 26106, MedGen C1708349, MONDO:0007648, OMIM 137215.
Hereditary cancer-predisposing syndrome. Also called: Tumor predisposition; Hereditary Cancer Syndrome; Hereditary neoplastic syndrome; Neoplastic Syndromes, Hereditary. Identifiers: Orphanet 140162, MedGen C0027672, MeSH D009386, MONDO:0015356.

gnomAD v4.1: 1 of 1,614,202 alleles (0.000062%); highest among the groups gnomAD compares: Non-Finnish European, 0.000085%; no homozygotes.

Submissions (2):

Ambry Genetics
Classification: Likely benign for Hereditary cancer-predisposing syndrome. Last evaluated: 2026-06-16. Review status: criteria provided, single submitter. Criteria: Ambry Variant Classification Scheme 2023. Collection method: clinical testing. Allele origin: germline.

Labcorp Genetics (formerly Invitae), Labcorp
Classification: Uncertain significance for Hereditary diffuse gastric adenocarcinoma. Last evaluated: 2022-08-13. Review status: criteria provided, single submitter. Criteria: Invitae Variant Classification Sherloc (09022015). Collection method: clinical testing. Allele origin: germline.
Comment: This variant has not been reported in the literature in individuals affected with CDH1-related conditions. Algorithms developed to predict the effect of missense changes on protein structure and function are either unavailable or do not agree on the potential impact of this missense change (SIFT: "Tolerated"; PolyPhen-2: "Possibly Damaging"; Align-GVGD: "Class C0"). In summary, the available evidence is currently insufficient to determine the role of this variant in disease. Therefore, it has been classified as a Variant of Uncertain Significance. This sequence change replaces serine, which is neutral and polar, with asparagine, which is neutral and polar, at codon 327 of the CDH1 protein (p.Ser327Asn). This variant is not present in population databases (gnomAD no frequency).

NM_004360.5(CDH1):c.980G>A (p.Ser327Asn)

Gene: CDH1 (cadherin 1; plus strand). Cytogenetic location: 16q22.1.
Variant type: single nucleotide variant.
Coding change: c.980G>A on transcript NM_004360.5 (MANE Select); coding-DNA position 980, G replaced by A.
Protein change: p.Ser327Asn; replaces serine 327 with asparagine.
Molecular consequence: missense variant. On other transcripts: 5 prime UTR variant (2).
Genome position (GRCh38, 1-based): chr16:68,811,831, G>A. VCF-style: chr16-68811831-G-A. GRCh37 (hg19) VCF-style: chr16-68845734-G-A.
Other names: c.980G>A, p.Ser327Asn (NM_001317184.2); c.-636G>A (NM_001317185.2); c.-840G>A (NM_001317186.2); short protein forms S327N.
Identifiers: ClinVar variation 2076185 (VCV002076185.7), dbSNP rs587781778, ClinGen allele CA396459853.
Genomic context (GRCh38, chr16:68,811,831, plus strand): 5'-AAGATCCTGAGCTCCCTGACAAAAATATGTTCACCATTAACAGGAACACAGGAGTCATCA[G>A]TGTGGTCACCACTGGGCTGGACCGAGAGGTCAGGGGTCAGGAGGATCCAGAGGGTGTGGA-3'
Protein context (NP_004351.1, residues 317-337): FTINRNTGVI[Ser327Asn]VVTTGLDRES